The following is an entry in ClinVar:

NM_006231.4(POLE):c.4420del (p.Ala1474fs)

Gene: POLE (DNA polymerase epsilon, catalytic subunit; minus strand). Cytogenetic location: 12q24.33.
Variant type: Deletion.
Coding change: c.4420del on transcript NM_006231.4 (MANE Select); coding-DNA position 4420, one base deleted (G; older notation c.4420delG).
Protein change: p.Ala1474fs; shifts the reading frame from alanine 1474.
Molecular consequence: frameshift variant.
Genome position (GRCh38, 1-based): chr12:132,643,431, C deleted on the plus strand (G on the coding strand, the reverse complement: POLE is on the minus strand); the first of 2 consecutive C bases (chr12:132,643,431-132,643,432); deleting either gives the same sequence. VCF-style (leftmost placement, unchanged base first): chr12-132643430-GC-G. GRCh37 (hg19) VCF-style: chr12-133220016-GC-G.
Other names: c.4420delG (NM_006231.3); short protein forms A1474fs.
Identifiers: ClinVar variation 540730 (VCV000540730.8), dbSNP rs1555222974, ClinGen allele CA658798028.
Genomic context (GRCh38, chr12:132,643,430, plus strand): 5'-AGGCAGGCACATGATGGGCGGCTGGTGCAGGCCATACCTGGTTCCAGGTAGCTGAACTGG[GC>G]CAGAGAGCGCATCTCCAGGTGCTCAAGAGCAAAGGTCTCTGCTTCCCAGCCTGAAAGGTG-3'

ClinVar aggregate classification (germline): Pathogenic (1 of 4 stars; one submission).

Submission:

Labcorp Genetics (formerly Invitae), Labcorp
Classification: Pathogenic. Last evaluated: 2024-12-12. Review status: criteria provided, single submitter. Criteria: Invitae Variant Classification Sherloc (09022015). Collection method: clinical testing. Allele origin: germline.
Comment: This sequence change creates a premature translational stop signal (p.Ala1474Profs*88) in the POLE gene. It is expected to result in an absent or disrupted protein product. Loss-of-function variants in POLE are known to be pathogenic (PMID: 23230001, 25948378, 30503519). This variant is not present in population databases (gnomAD no frequency). This variant has not been reported in the literature in individuals affected with POLE-related conditions. ClinVar contains an entry for this variant (Variation ID: 540730). For these reasons, this variant has been classified as Pathogenic.

Literature cited by the submitters: PubMed 23230001; PubMed 25948378; PubMed 30503519.